The following is an entry in ClinVar:

NM_007294.4(BRCA1):c.236T>C (p.Phe79Ser)

Gene: BRCA1 (BRCA1 DNA repair associated; minus strand). Cytogenetic location: 17q21.31.
Variant type: single nucleotide variant.
Coding change: c.236T>C on transcript NM_007294.4 (MANE Select); coding-DNA position 236, T replaced by C.
Protein change: p.Phe79Ser; replaces phenylalanine 79 with serine.
Molecular consequence: missense variant. On other transcripts: non-coding transcript variant (1).
Genome position (GRCh38, 1-based): chr17:43,104,933, A>G on the plus strand (T>C on the coding strand, the complement: BRCA1 is on the minus strand). VCF-style: chr17-43104933-A-G. GRCh37 (hg19) VCF-style: chr17-41256950-A-G.
Other names: c.26T>C, p.Phe9Ser (NM_001407571.1, NM_001407853.1, NM_001407879.1 and 58 more transcripts); c.236T>C, p.Phe79Ser (NM_001407581.1, NM_001407582.1, NM_001407583.1 and 168 more transcripts); c.158T>C, p.Phe53Ser (NM_001407653.1, NM_001407654.1, NM_001407655.1 and 21 more transcripts); c.95T>C, p.Phe32Ser (NM_001407692.1, NM_001407694.1, NM_001407695.1 and 99 more transcripts); c.-146T>C (NM_001407962.1, NM_001407963.1, NM_001407965.1 and 4 more transcripts); c.104T>C, p.Phe35Ser (NM_001408451.1); short protein forms F32S, F79S, F35S, F53S, F9S.
Identifiers: ClinVar variation 867367 (VCV000867367.5), dbSNP rs2054691717, ClinGen allele CA10601687.

ClinVar aggregate classification (germline): Uncertain significance (1 of 4 stars; one submission).

Conditions:
Hereditary cancer-predisposing syndrome. Also called: Tumor predisposition; Hereditary Cancer Syndrome; Hereditary neoplastic syndrome; Neoplastic Syndromes, Hereditary. Identifiers: Orphanet 140162, MedGen C0027672, MeSH D009386, MONDO:0015356.

Submissions (2):

Ambry Genetics
Classification: Uncertain significance for Hereditary cancer-predisposing syndrome. Last evaluated: 2023-03-23. Review status: criteria provided, single submitter. Criteria: Ambry Variant Classification Scheme 2023. Collection method: clinical testing. Allele origin: germline.
Comment: The p.F79S variant (also known as c.236T>C), located in coding exon 4 of the BRCA1 gene, results from a T to C substitution at nucleotide position 236. The phenylalanine at codon 79 is replaced by serine, an amino acid with highly dissimilar properties. Functional studies assessing the impact of this variant are conflicting (Findlay GM et al. Nature, 2018 Oct;562:217-222; Clark KA et al. Am J Hum Genet, 2022 Jun;109:1153-1174). This amino acid position is highly conserved in available vertebrate species. In addition, this alteration is predicted to be deleterious by in silico analysis. Since supporting evidence is conflicting at this time, the clinical significance of this alteration remains unclear.

Brotman Baty Institute, University of Washington
No classification provided (evidence only). Condition: Breast-ovarian cancer, familial 1. Review status: no classification provided. Collection method: in vitro. Allele origin: not applicable. Functional consequence: functionally_normal. Not counted in ClinVar's aggregate classification.
ClinVar note: "not provided" was previously submitted as the classification for the variant. However, the classification appeared to be based only on an observation of functional data so it was converted to no classification on 2025-07-30.

Literature cited by the submitters: PubMed 30209399 (cited by Ambry Genetics); PubMed 35659930 (cited by Ambry Genetics).